The following is an entry in ClinVar:

ClinVar aggregate classification (germline): Uncertain significance (1 of 4 stars; one submission).

Conditions:
VWA2-related disorder. Also called: VWA2-related condition.

Allele frequency attached by ClinVar (database versions not stated): TOPMed 0.00002; gnomAD 0.00003; ExAC 0.00007; 1000 Genomes Project 30x 0.00016; 1000 Genomes Project 0.00020.
gnomAD v4.1: 27 of 1,614,170 alleles (0.0017%); highest among the groups gnomAD compares: East Asian, 0.0067%; no homozygotes.

Submission:

PreventionGenetics, part of Exact Sciences
Classification: Uncertain significance for VWA2-related condition. Last evaluated: 2022-09-28. Review status: criteria provided, single submitter. Criteria: ACMG Guidelines, 2015. Collection method: clinical testing. Allele origin: germline.
Comment: The VWA2 c.1112G>A variant is predicted to result in the amino acid substitution p.Arg371Gln. To our knowledge, this variant has not been reported in the literature. This variant is reported in 0.016% of alleles in individuals of East Asian descent in gnomAD. At this time, the clinical significance of this variant is uncertain due to the absence of conclusive functional and genetic evidence.

NM_001272046.2(VWA2):c.1112G>A (p.Arg371Gln)

Genes: AFAP1L2 (actin filament associated protein 1 like 2; minus strand), VWA2 (von Willebrand factor A domain containing 2; plus strand). Cytogenetic location: 10q25.3.
Variant type: single nucleotide variant.
Coding change: c.1112G>A on transcript NM_001272046.2 (MANE Select); coding-DNA position 1112, G replaced by A.
Protein change: p.Arg371Gln; replaces arginine 371 with glutamine.
Molecular consequence: missense variant.
Genome position (GRCh38, 1-based): chr10:114,286,053, G>A. VCF-style: chr10-114286053-G-A. GRCh37 (hg19) VCF-style: chr10-116045812-G-A.
Other names: c.1112G>A, p.Arg371Gln (NM_001320804.1); short protein forms R371Q.
Identifiers: ClinVar variation 2635809 (VCV002635809.1), dbSNP rs527324502, ClinGen allele CA5700592.